The following is an entry in ClinVar:

NM_024741.3(ZNF408):c.827A>G (p.Gln276Arg)

Gene: ZNF408 (zinc finger protein 408; plus strand). Cytogenetic location: 11p11.2.
Variant type: single nucleotide variant.
Coding change: c.827A>G on transcript NM_024741.3 (MANE Select); coding-DNA position 827, A replaced by G.
Protein change: p.Gln276Arg; replaces glutamine 276 with arginine.
Molecular consequence: missense variant.
Genome position (GRCh38, 1-based): chr11:46,704,527, A>G. VCF-style: chr11-46704527-A-G. GRCh37 (hg19) VCF-style: chr11-46726077-A-G.
Other names: c.803A>G, p.Gln268Arg (NM_001184751.2); short protein forms Q276R, Q268R.
Identifiers: ClinVar variation 935282 (VCV000935282.9), dbSNP rs2064735254, ClinGen allele CA380254262.
Genomic context (GRCh38, chr11:46,704,527, plus strand): 5'-TTCAGGATGGCGACGTGGATGAGGAATGCCCGGCCCAGGCACAGATGCCACCTGAACTTC[A>G]GAGCAATTCGGCTACCCAGCAGGACCCAGATGGCAGTGGAGCCAGTTTCTCATCTTCTGC-3'
Protein context (NP_079017.1, residues 266-286): PAQAQMPPEL[Gln276Arg]SNSATQQDPD

ClinVar aggregate classification (germline): Uncertain significance (1 of 4 stars; one submission).

Allele frequency attached by ClinVar (database versions not stated): TOPMed below 0.00001.

Submission:

Labcorp Genetics (formerly Invitae), Labcorp
Classification: Uncertain significance. Last evaluated: 2019-09-28. Review status: criteria provided, single submitter. Criteria: Invitae Variant Classification Sherloc (09022015). Collection method: clinical testing. Allele origin: germline.
Comment: This sequence change replaces glutamine with arginine at codon 276 of the ZNF408 protein (p.Gln276Arg). The glutamine residue is moderately conserved and there is a small physicochemical difference between glutamine and arginine. In summary, the available evidence is currently insufficient to determine the role of this variant in disease. Therefore, it has been classified as a Variant of Uncertain Significance. Algorithms developed to predict the effect of missense changes on protein structure and function are either unavailable or do not agree on the potential impact of this missense change (SIFT: "Deleterious"; PolyPhen-2: "Benign"; Align-GVGD: "Class C0"). This variant has not been reported in the literature in individuals with ZNF408-related conditions. This variant is not present in population databases (ExAC no frequency).